The following is an entry in ClinVar:

ClinVar aggregate classification (germline): Benign/Likely benign. Review status: criteria provided, multiple submitters, no conflicts (2 of 4 stars). 11 submissions from 11 submitters: Benign (9); Likely benign (1). 1 of the submissions does not count toward it. Last evaluated 2026-02-04.

Conditions:
Fanconi anemia (FA). Also called: Fanconi's anemia. Identifiers: Orphanet 84, MedGen C0015625, MeSH D005199, MONDO:0019391.
Fanconi anemia complementation group G. Also called: Fanconi anemia group G; FANCG-Related Fanconi Anemia. Identifiers: Orphanet 84, MedGen C3469527, MONDO:0013565, OMIM 614082.

Allele frequency attached by ClinVar (database versions not stated): 1000 Genomes Project 0.22025; 1000 Genomes Project 30x 0.22330; TOPMed 0.33829; gnomAD 0.35145 and 0.35683; ESP Exome Variant Server 0.36214; ExAC 0.39569; gnomAD exomes 0.40165 and 0.45388.
gnomAD v4.1: 714,070 of 1,613,706 alleles (44%); highest among the groups gnomAD compares: Non-Finnish European, 49%; 171,513 homozygotes.

Submissions (11):

Labcorp Genetics (formerly Invitae), Labcorp
Classification: Benign for Fanconi anemia. Last evaluated: 2026-02-04. Review status: criteria provided, single submitter. Criteria: Invitae Variant Classification Sherloc (09022015). Collection method: clinical testing. Allele origin: germline.

Mayo Clinic Laboratories, Mayo Clinic
Classification: Benign. Last evaluated: 2025-07-29. Review status: criteria provided, single submitter. Criteria: ACMG Guidelines, 2015. Collection method: clinical testing. Allele origin: germline. Observed: 712 variant alleles.
Comment: BA1

ARUP Laboratories, Molecular Genetics and Genomics, ARUP Laboratories
Classification: Benign for Fanconi anemia complementation group G. Last evaluated: 2025-07-21. Review status: criteria provided, single submitter. Criteria: ARUP Molecular Germline Variant Investigation Process 2024. Collection method: clinical testing. Allele origin: germline.

Blueprint Genetics
Classification: Likely benign. Last evaluated: 2024-11-27. Review status: criteria provided, single submitter. Criteria: ACMG Guidelines, 2015. Collection method: clinical testing. Allele origin: germline.

KCCC/NGS Laboratory, Kuwait Cancer Control Center
Classification: Benign for Fanconi anemia complementation group G. Last evaluated: 2023-07-07. Review status: criteria provided, single submitter. Criteria: ACMG Guidelines, 2015. Collection method: clinical testing. Allele origin: germline. Affected: yes.

Genome-Nilou Lab
Classification: Benign for Fanconi anemia complementation group G. Last evaluated: 2021-07-01. Review status: criteria provided, single submitter. Criteria: ACMG Guidelines, 2015. Collection method: clinical testing. Allele origin: germline. Affected: no.

GeneDx
Classification: Benign. Last evaluated: 2019-01-10. Review status: criteria provided, single submitter. Criteria: GeneDx Variant Classification Process June 2021. Collection method: clinical testing. Allele origin: germline. Affected: yes.

Illumina Laboratory Services, Illumina
Classification: Benign for Fanconi anemia complementation group G. Last evaluated: 2018-01-13. Review status: criteria provided, single submitter. Criteria: ICSL Variant Classification Criteria 13 December 2019. Collection method: clinical testing. Allele origin: germline.
Comment: This variant was observed in the ICSL laboratory as part of a predisposition screen in an ostensibly healthy population. It had not been previously curated by ICSL or reported in the Human Gene Mutation Database (HGMD: prior to June 1st, 2018), and was therefore a candidate for classification through an automated scoring system. Utilizing variant allele frequency, disease prevalence and penetrance estimates, and inheritance mode, an automated score was calculated to assess if this variant is too frequent to cause the disease. Based on the score and internal cut-off values, a variant classified as benign is not then subjected to further curation. The score for this variant resulted in a classification of benign for this disease.

Breakthrough Genomics
Classification: Benign. Review status: criteria provided, single submitter. Criteria: ACMG Guidelines, 2015. Collection method: not provided. Allele origin: germline. Inheritance: Autosomal recessive inheritance. Affected: yes.

PreventionGenetics, part of Exact Sciences
Classification: Benign. Review status: criteria provided, single submitter. Criteria: ACMG Guidelines, 2015. Collection method: clinical testing. Allele origin: germline.

Natera, Inc.
Classification: Benign for Fanconi anemia group G. Last evaluated: 2020-09-16. Review status: no assertion criteria provided. Collection method: clinical testing. Allele origin: germline. Not counted in ClinVar's aggregate classification.

NM_004629.2(FANCG):c.1636+7A>G

Gene: FANCG (FA complementation group G; minus strand). Cytogenetic location: 9p13.3.
Variant type: single nucleotide variant.
Coding change: c.1636+7A>G on transcript NM_004629.2 (MANE Select); 7 bases into the intron after coding-DNA position 1636, A replaced by G.
Molecular consequence: intron variant.
Genome position (GRCh38, 1-based): chr9:35,074,920, T>C on the plus strand (A>G on the coding strand, the complement: FANCG is on the minus strand). VCF-style: chr9-35074920-T-C. GRCh37 (hg19) VCF-style: chr9-35074917-T-C.
Other names: p.?.
Identifiers: ClinVar variation 259477 (VCV000259477.36), dbSNP rs587118, ClinGen allele CA5039683.